The following is an entry in ClinVar:

ClinVar aggregate classification (germline): Likely benign (1 of 4 stars; one submission).

Allele frequency attached by ClinVar (database versions not stated): 1000 Genomes Project 0.00040; 1000 Genomes Project 30x 0.00062; TOPMed 0.00213; ExAC 0.00214; ESP Exome Variant Server 0.00267.
gnomAD v4.1: 5,518 of 1,583,026 alleles (0.35%); highest among the groups gnomAD compares: Non-Finnish European, 0.42%; 191 homozygotes.

Submission:

CeGaT Center for Human Genetics Tuebingen
Classification: Likely benign. Last evaluated: 2022-12-01. Review status: criteria provided, single submitter. Criteria: CeGaT Center For Human Genetics Tuebingen Variant Classification Criteria Version 2. Collection method: clinical testing. Allele origin: germline. Affected: yes. Observed: 1 variant allele.
Comment: PRAMEF4: BS2

NM_001009611.4(PRAMEF4):c.609G>C (p.Met203Ile)

Gene: PRAMEF4 (PRAME family member 4; minus strand). Cytogenetic location: 1p36.21.
Variant type: single nucleotide variant.
Coding change: c.609G>C on transcript NM_001009611.4 (MANE Select); coding-DNA position 609, G replaced by C.
Protein change: p.Met203Ile; replaces methionine 203 with isoleucine.
Molecular consequence: missense variant.
Genome position (GRCh38, 1-based): chr1:12,882,120, C>G on the plus strand (G>C on the coding strand, the complement: PRAMEF4 is on the minus strand). VCF-style: chr1-12882120-C-G. GRCh37 (hg19) VCF-style: chr1-12941941-C-G.
Other names: short protein forms M203I.
Identifiers: ClinVar variation 2638274 (VCV002638274.24), dbSNP rs201131488, ClinGen allele CA18149079.